The following is an entry in ClinVar:

ClinVar aggregate classification (germline): Uncertain significance. Review status: criteria provided, multiple submitters, no conflicts (2 of 4 stars). 2 submissions from 2 submitters: Uncertain significance (2). Last evaluated 2024-05-23.

Conditions:
Familial melanoma. Also called: Hereditary melanoma; Hereditary cutaneous melanoma. Identifiers: Orphanet 618, MedGen C1512419, MONDO:0018961.
Hereditary cancer-predisposing syndrome. Also called: Neoplastic Syndromes, Hereditary; Hereditary Cancer Syndrome; Tumor predisposition; Hereditary neoplastic syndrome. Identifiers: Orphanet 140162, MedGen C0027672, MeSH D009386, MONDO:0015356.

Submissions (2):

Ambry Genetics
Classification: Uncertain significance for Hereditary cancer-predisposing syndrome. Last evaluated: 2024-05-23. Review status: criteria provided, single submitter. Criteria: Ambry Variant Classification Scheme 2023. Collection method: clinical testing. Allele origin: germline.
Comment: The p.E274G variant (also known as c.821A>G), located in coding exon 7 of the CDK4 gene, results from an A to G substitution at nucleotide position 821. The glutamic acid at codon 274 is replaced by glycine, an amino acid with similar properties. This amino acid position is well conserved in available vertebrate species. In addition, this alteration is predicted to be tolerated by in silico analysis. Since supporting evidence is limited at this time, the clinical significance of this alteration remains unclear.

Labcorp Genetics (formerly Invitae), Labcorp
Classification: Uncertain significance for Familial melanoma. Last evaluated: 2024-05-07. Review status: criteria provided, single submitter. Criteria: Invitae Variant Classification Sherloc (09022015). Collection method: clinical testing. Allele origin: germline.
Comment: This sequence change replaces glutamic acid, which is acidic and polar, with glycine, which is neutral and non-polar, at codon 274 of the CDK4 protein (p.Glu274Gly). This variant is not present in population databases (gnomAD no frequency). This variant has not been reported in the literature in individuals affected with CDK4-related conditions. ClinVar contains an entry for this variant (Variation ID: 581541). An algorithm developed to predict the effect of missense changes on protein structure and function (PolyPhen-2) suggests that this variant¬†is likely to be tolerated. In summary, the available evidence is currently insufficient to determine the role of this variant in disease. Therefore, it has been classified as a Variant of Uncertain Significance.

NM_000075.4(CDK4):c.821A>G (p.Glu274Gly)

Genes: CDK4 (cyclin dependent kinase 4; minus strand), TSPAN31 (tetraspanin 31; plus strand). Cytogenetic location: 12q14.1.
Variant type: single nucleotide variant.
Coding change: c.821A>G on transcript NM_000075.4 (MANE Select); coding-DNA position 821, A replaced by G.
Protein change: p.Glu274Gly; replaces glutamic acid 274 with glycine.
Molecular consequence: missense variant. On other transcripts: 3 prime UTR variant (3).
Genome position (GRCh38, 1-based): chr12:57,748,616, T>C on the plus strand (A>G on the coding strand, the complement: CDK4 is on the minus strand). VCF-style: chr12-57748616-T-C. GRCh37 (hg19) VCF-style: chr12-58142399-T-C.
Other names: c.*1326T>C (NM_001330168.2, NM_001330169.2, NM_005981.5); short protein forms E274G.
Identifiers: ClinVar variation 581541 (VCV000581541.13), dbSNP rs1565805274, ClinGen allele CA385542665.